The following is an entry in ClinVar:

NM_000535.7(PMS2):c.2278C>G (p.Pro760Ala)

Gene: PMS2 (PMS1 homolog 2, mismatch repair system component; minus strand). Cytogenetic location: 7p22.1.
Variant type: single nucleotide variant.
Coding change: c.2278C>G on transcript NM_000535.7 (MANE Select); coding-DNA position 2278, C replaced by G.
Protein change: p.Pro760Ala; replaces proline 760 with alanine.
Molecular consequence: missense variant. On other transcripts: intron variant (2).
Genome position (GRCh38, 1-based): chr7:5,977,755, G>C on the plus strand (C>G on the coding strand, the complement: PMS2 is on the minus strand). VCF-style: chr7-5977755-G-C. GRCh37 (hg19) VCF-style: chr7-6017386-G-C.
Other names: c.1942C>G, p.Pro648Ala (NM_001406885.1); c.1912C>G, p.Pro638Ala (NM_001406886.1); c.1906C>G, p.Pro636Ala (NM_001406887.1, NM_001406888.1, NM_001322009.2); c.1873C>G, p.Pro625Ala (NM_001406889.1, NM_001406890.1, NM_001406891.1 and 12 more transcripts); c.1813C>G, p.Pro605Ala (NM_001406900.1); c.1804C>G, p.Pro602Ala (NM_001406901.1, NM_001406902.1); c.1792C>G, p.Pro598Ala (NM_001406903.1); c.1765C>G, p.Pro589Ala (NM_001406904.1, NM_001406905.1); and 20 more; short protein forms P359A, P449A, P503A, P569A, P573A, P589A, P598A, P602A.
Identifiers: ClinVar variation 3232010 (VCV003232010.2), dbSNP rs763468927, ClinGen allele CA366736197.
Genomic context (GRCh38, chr7:5,977,755, plus strand): 5'-GTCCGAAGGTCCAGTTTTTACTAGTTGGCAAGGAAATCAGTTTAGCCCTTTCAGTGACTG[G>C]AGCTAAAAGAATACAATTTTGAGAAAAATCCATGACTTGACAAACACGTTTCACTTGAAA-3'
Protein context (NP_000526.2, residues 750-770): GFDFVIDENA[Pro760Ala]VTERAKLISL

ClinVar aggregate classification (germline): Uncertain significance. Review status: criteria provided, multiple submitters, no conflicts (2 of 4 stars). 2 submissions from 2 submitters: Uncertain significance (2). Last evaluated 2024-07-15.

Conditions:
Hereditary cancer-predisposing syndrome. Also called: Neoplastic Syndromes, Hereditary; Tumor predisposition; Hereditary neoplastic syndrome; Hereditary Cancer Syndrome. Identifiers: Orphanet 140162, MedGen C0027672, MeSH D009386, MONDO:0015356.

Submissions (2):

Color Diagnostics, LLC DBA Color Health
Classification: Uncertain significance for Hereditary cancer-predisposing syndrome. Last evaluated: 2024-07-15. Review status: criteria provided, single submitter. Criteria: ACMG Guidelines, 2015. Collection method: clinical testing. Allele origin: germline.
Comment: This missense variant replaces proline with alanine at codon 760 of the PMS2 protein. Computational prediction suggests that this variant may not impact protein structure and function (internally defined REVEL score threshold <= 0.5, PMID: 27666373). To our knowledge, functional studies have not been reported for this variant. This variant has not been reported in individuals affected with PMS2-related disorders in the literature. This variant has not been identified in the general population by the Genome Aggregation Database (gnomAD). The available evidence is insufficient to determine the role of this variant in disease conclusively. Therefore, this variant is classified as a Variant of Uncertain Significance.

Ambry Genetics
Classification: Uncertain significance for Hereditary cancer-predisposing syndrome. Last evaluated: 2023-10-13. Review status: criteria provided, single submitter. Criteria: Ambry Variant Classification Scheme 2023. Collection method: clinical testing. Allele origin: germline.
Comment: The p.P760A variant (also known as c.2278C>G), located in coding exon 14 of the PMS2 gene, results from a C to G substitution at nucleotide position 2278. The proline at codon 760 is replaced by alanine, an amino acid with highly similar properties. This amino acid position is conserved. In addition, the in silico prediction for this alteration is inconclusive. Since supporting evidence is limited at this time, the clinical significance of this alteration remains unclear.